The following is an entry in ClinVar:

NM_000435.3(NOTCH3):c.581G>T (p.Cys194Phe)

Gene: NOTCH3 (notch receptor 3; minus strand). Cytogenetic location: 19p13.12.
Variant type: single nucleotide variant.
Coding change: c.581G>T on transcript NM_000435.3 (MANE Select); coding-DNA position 581, G replaced by T.
Protein change: p.Cys194Phe; replaces cysteine 194 with phenylalanine.
Molecular consequence: missense variant.
Genome position (GRCh38, 1-based): chr19:15,192,058, C>A on the plus strand (G>T on the coding strand, the complement: NOTCH3 is on the minus strand). VCF-style: chr19-15192058-C-A. GRCh37 (hg19) VCF-style: chr19-15302869-C-A.
Other names: short protein forms C194F.
Identifiers: ClinVar variation 1175947 (VCV001175947.37), dbSNP rs2145441541, ClinGen allele CA404533463.

ClinVar aggregate classification (germline): Pathogenic. Review status: criteria provided, multiple submitters, no conflicts (2 of 4 stars). 3 submissions from 3 submitters: Pathogenic (3). Last evaluated 2024-05-02.

Conditions:
Cerebral arteriopathy, autosomal dominant, with subcortical infarcts and leukoencephalopathy, type 1 (CADASIL1). Also called: Cerebral arteriopathy with subcortical infarcts and leukoencephalopathy 1; DEMENTIA, HEREDITARY MULTIINFARCT TYPE; CASIL; CADASIL 1. Identifiers: Orphanet 136, MedGen C4551768, MONDO:0000914, OMIM 125310.

Submissions (3):

MVZ Medizinische Genetik Mainz
Classification: Pathogenic for Cerebral arteriopathy, autosomal dominant, with subcortical infarcts and leukoencephalopathy, type 1. Last evaluated: 2024-05-02. Review status: criteria provided, single submitter. Criteria: UK Practice Guidelines For Variant Classification V4 01 2020. Collection method: clinical testing. Allele origin: germline. Inheritance: Autosomal dominant inheritance. Observed: 1 variant allele.
Comment: ACMG Criteria: PM1_STR,PM5,PS4_SUP,PM2_SUP,PP3,PP4

Athena Diagnostics
Classification: Pathogenic. Last evaluated: 2022-08-30. Review status: criteria provided, single submitter. Criteria: Athena Diagnostics Criteria. Collection method: clinical testing. Allele origin: unknown.
Comment: This variant has not been reported in large, multi-ethnic general populations. This variant has been identified in at least one individual with clinical features of CADASIL. At least one other missense variant at this codon is considered to be pathogenic or likely pathogenic, suggesting this variant may also cause disease. This variant alters a critical location within the protein, and is expected to severely affect function and cause disease. Greater than 90% of pathogenic variants identified in NOTCH3 involve the gain or loss of a cysteine residue within the epidermal growth factor (EGF)-like repeat domain.

CeGaT Center for Human Genetics Tuebingen
Classification: Pathogenic. Last evaluated: 2021-03-01. Review status: criteria provided, single submitter. Criteria: CeGaT Center For Human Genetics Tuebingen Variant Classification Criteria Version 2. Collection method: clinical testing. Allele origin: germline. Affected: yes. Observed: 1 variant allele.

Literature cited by the submitters: PubMed 15364702 (cited by Athena Diagnostics); PubMed 16009764 (cited by Athena Diagnostics); PubMed 11823661 (cited by Athena Diagnostics); PubMed 10854111 (cited by Athena Diagnostics).